The following is an entry in ClinVar:

NM_003392.7(WNT5A):c.991G>T (p.Gly331Cys)

Gene: WNT5A (Wnt family member 5A; minus strand). Cytogenetic location: 3p14.3.
Variant type: single nucleotide variant.
Coding change: c.991G>T on transcript NM_003392.7 (MANE Select); coding-DNA position 991, G replaced by T.
Protein change: p.Gly331Cys; replaces glycine 331 with cysteine.
Molecular consequence: missense variant.
Genome position (GRCh38, 1-based): chr3:55,470,244, C>A on the plus strand (G>T on the coding strand, the complement: WNT5A is on the minus strand). VCF-style: chr3-55470244-C-A. GRCh37 (hg19) VCF-style: chr3-55504272-C-A.
Other names: c.946G>T, p.Gly316Cys (NM_001256105.1, NM_001377271.1, NM_001377272.1); short protein forms G316C, G331C.
Identifiers: ClinVar variation 1025097 (VCV001025097.5), dbSNP rs2051221341, ClinGen allele CA353271807.

ClinVar aggregate classification (germline): Likely pathogenic (1 of 4 stars; one submission).

Submission:

Labcorp Genetics (formerly Invitae), Labcorp
Classification: Likely pathogenic. Last evaluated: 2022-06-13. Review status: criteria provided, single submitter. Criteria: Invitae Variant Classification Sherloc (09022015). Collection method: clinical testing. Allele origin: germline.
Comment: In summary, the currently available evidence indicates that the variant is pathogenic, but additional data are needed to prove that conclusively. Therefore, this variant has been classified as Likely Pathogenic. Algorithms developed to predict the effect of missense changes on protein structure and function (SIFT, PolyPhen-2, Align-GVGD) all suggest that this variant is likely to be disruptive. ClinVar contains an entry for this variant (Variation ID: 1025097). This missense change has been observed in individual(s) with clinical features of Robinow syndrome (Invitae). In at least one individual the variant was observed to be de novo. This variant is not present in population databases (gnomAD no frequency). This sequence change replaces glycine, which is neutral and non-polar, with cysteine, which is neutral and slightly polar, at codon 331 of the WNT5A protein (p.Gly331Cys).